The following is an entry in ClinVar:

NM_000057.4(BLM):c.1348A>G (p.Met450Val)

Gene: BLM (BLM RecQ like helicase; plus strand). Cytogenetic location: 15q26.1.
Variant type: single nucleotide variant.
Coding change: c.1348A>G on transcript NM_000057.4 (MANE Select); coding-DNA position 1348, A replaced by G.
Protein change: p.Met450Val; replaces methionine 450 with valine.
Molecular consequence: missense variant.
Genome position (GRCh38, 1-based): chr15:90,760,721, A>G. VCF-style: chr15-90760721-A-G. GRCh37 (hg19) VCF-style: chr15-91303951-A-G.
Other names: p.M450V:ATG>GTG; c.1348A>G (LRG_20t1); c.1348A>G, p.Met450Val (NM_001287246.2, NM_001287247.2); c.223A>G, p.Met75Val (NM_001287248.2); short protein forms M450V, M75V.
Identifiers: ClinVar variation 127476 (VCV000127476.15), dbSNP rs200385935, ClinGen allele CA287061.

ClinVar aggregate classification (germline): Conflicting classifications of pathogenicity. Review status: criteria provided, conflicting classifications (1 of 4 stars). 4 submissions from 4 submitters: Uncertain significance (2); Likely benign (1). 1 of the submissions does not count toward it. Last evaluated 2025-12-03.

Conditions:
Hereditary cancer-predisposing syndrome. Also called: Hereditary Cancer Syndrome; Hereditary neoplastic syndrome; Tumor predisposition; Neoplastic Syndromes, Hereditary. Identifiers: Orphanet 140162, MedGen C0027672, MeSH D009386, MONDO:0015356.
Bloom syndrome (BLM). Also called: Bloom-Torre-Machacek syndrome. Identifiers: Orphanet 125, MedGen C0005859, MONDO:0008876, OMIM 210900.

Allele frequency attached by ClinVar (database versions not stated): gnomAD exomes below 0.00001 and 0.00001; ExAC 0.00001; gnomAD 0.00001; TOPMed 0.00002.
gnomAD v4.1: 15 of 1,614,038 alleles (0.00093%); highest among the groups gnomAD compares: Admixed American, 0.0017%; no homozygotes.

Submissions (4):

Ambry Genetics
Classification: Likely benign for Hereditary cancer-predisposing syndrome. Last evaluated: 2025-12-03. Review status: criteria provided, single submitter. Criteria: Ambry Variant Classification Scheme 2023. Collection method: clinical testing. Allele origin: germline.

Labcorp Genetics (formerly Invitae), Labcorp
Classification: Uncertain significance for Bloom syndrome. Last evaluated: 2024-10-16. Review status: criteria provided, single submitter. Criteria: Invitae Variant Classification Sherloc (09022015). Collection method: clinical testing. Allele origin: germline.
Comment: This sequence change replaces methionine, which is neutral and non-polar, with valine, which is neutral and non-polar, at codon 450 of the BLM protein (p.Met450Val). This variant is present in population databases (rs200385935, gnomAD 0.0009%). This variant has not been reported in the literature in individuals affected with BLM-related conditions. ClinVar contains an entry for this variant (Variation ID: 127476). Invitae Evidence Modeling of protein sequence and biophysical properties (such as structural, functional, and spatial information, amino acid conservation, physicochemical variation, residue mobility, and thermodynamic stability) indicates that this missense variant is not expected to disrupt BLM protein function with a negative predictive value of 80%. In summary, the available evidence is currently insufficient to determine the role of this variant in disease. Therefore, it has been classified as a Variant of Uncertain Significance.

GeneDx
Classification: Uncertain significance. Last evaluated: 2014-02-21. Review status: criteria provided, single submitter. Criteria: GeneDx Variant Classification (06012015). Collection method: clinical testing. Allele origin: germline. Affected: yes.
Comment: Single pathogenic variants in BLM have only recently been described in association with cancer predisposition and the risks are not well understood. This variant is denoted BLM c.1348A>G at the cDNA level, p.Met450Val (M450V) at the protein level, and results in the change of a Methionine to a Valine (ATG>GTG). This variant has not, to our knowledge, been published in the literature as pathogenic or benign. BLM Met450Val was not observed in approximately 6,500 individuals of European and African American ancestry in the NHLBI Exome Sequencing Project. This is a conservative amino acid substitution which is unlikely to impact secondary protein structure since Methionine and Valine share similar properties. BLM Met450Val occurs at a position that is highly variable across species and is located within the region necessary for interaction with scaffolding protein involved in DNA repair (SPIDR). In silico analyses predict this variant is unlikely to alter protein structure or function. Based on currently available information, it is unclear whether BLM Met450Val is pathogenic or benign. We consider it to be a variant of uncertain significance. Furthermore, based on the currently available information, cancer risks associated with this variant, and with single variants the BLM gene in general, remain unclear.

Natera, Inc.
Classification: Uncertain significance for Bloom syndrome. Last evaluated: 2020-09-16. Review status: no assertion criteria provided. Collection method: clinical testing. Allele origin: germline. Not counted in ClinVar's aggregate classification.